The following is an entry in ClinVar:

ClinVar aggregate classification (germline): Uncertain significance (1 of 4 stars; one submission).

Submission:

Labcorp Genetics (formerly Invitae), Labcorp
Classification: Uncertain significance. Last evaluated: 2019-11-26. Review status: criteria provided, single submitter. Criteria: Invitae Variant Classification Sherloc (09022015). Collection method: clinical testing. Allele origin: germline.
Comment: In summary, the available evidence is currently insufficient to determine the role of this variant in disease. Therefore, it has been classified as a Variant of Uncertain Significance. Algorithms developed to predict the effect of missense changes on protein structure and function are either unavailable or do not agree on the potential impact of this missense change (SIFT: "Deleterious"; PolyPhen-2: "Benign"; Align-GVGD: "Class C0"). This variant has not been reported in the literature in individuals with ADAM9-related conditions. This variant is not present in population databases (ExAC no frequency). This sequence change replaces glutamic acid with glycine at codon 183 of the ADAM9 protein (p.Glu183Gly). The glutamic acid residue is highly conserved and there is a moderate physicochemical difference between glutamic acid and glycine.

NM_003816.3(ADAM9):c.548A>G (p.Glu183Gly)

Gene: ADAM9 (ADAM metallopeptidase domain 9; plus strand). Cytogenetic location: 8p11.22.
Variant type: single nucleotide variant.
Coding change: c.548A>G on transcript NM_003816.3 (MANE Select); coding-DNA position 548, A replaced by G.
Protein change: p.Glu183Gly; replaces glutamic acid 183 with glycine.
Molecular consequence: missense variant. On other transcripts: non-coding transcript variant (3).
Genome position (GRCh38, 1-based): chr8:39,017,356, A>G. VCF-style: chr8-39017356-A-G. GRCh37 (hg19) VCF-style: chr8-38874875-A-G.
Other names: short protein forms E183G.
Identifiers: ClinVar variation 845255 (VCV000845255.6), dbSNP rs1836568496, ClinGen allele CA370753515.
Genomic context (GRCh38, chr8:39,017,356, plus strand): 5'-ATCGAATGGATGATGTCTACAAAGAGCCTCTGAAATGTGGAGTTTCCAACAAGGATATAG[A>G]GAAAGAAACTGCAAAGGATGAAGAGGAAGAGCCTCCCAGCATGACTCAGCTACTTCGAGT-3'
Protein context (NP_003807.1, residues 173-193): LKCGVSNKDI[Glu183Gly]KETAKDEEEE